The following is an entry in ClinVar:

NM_000038.6(APC):c.7393_7394del (p.Leu2465fs)

Gene: APC (APC regulator of Wnt signaling pathway; plus strand). Cytogenetic location: 5q22.2.
Variant type: Microsatellite.
Coding change: c.7393_7394del on transcript NM_000038.6 (MANE Select); coding-DNA positions 7393 to 7394, 2 bases deleted (CT; older notation c.7393_7394delCT).
Protein change: p.Leu2465fs; shifts the reading frame from leucine 2465.
Molecular consequence: frameshift variant.
Genome position (GRCh38, 1-based): chr5:112,842,987-112,842,988, CT deleted; deleting any 2 consecutive bases within chr5:112,842,984-112,842,988 gives the same sequence; the c. name uses the placement nearest the transcript's 3' end. VCF-style (leftmost placement, unchanged base first): chr5-112842983-ATC-A. GRCh37 (hg19) VCF-style: chr5-112178680-ATC-A.
Other names: c.7393_7394del, p.Leu2465fs (NM_001127510.3, NM_001354895.2); c.7339_7340del, p.Leu2447fs (NM_001127511.3); c.7423_7424del, p.Leu2475fs (NM_001354897.2); c.7318_7319del, p.Leu2440fs (NM_001354898.2); c.7270_7271del, p.Leu2424fs (NM_001354900.2); c.7447_7448del, p.Leu2483fs (NM_001354896.2); c.7309_7310del, p.Leu2437fs (NM_001354899.2); c.7216_7217del, p.Leu2406fs (NM_001354901.2); and 7 more; short protein forms L2364fs, L2374fs, L2437fs, L2465fs, L2483fs, L2182fs, L2475fs, L2305fs.
Identifiers: ClinVar variation 545857 (VCV000545857.9), dbSNP rs1554088313, ClinGen allele CA658822514.

ClinVar aggregate classification (germline): Pathogenic/Likely pathogenic. Review status: criteria provided, multiple submitters, no conflicts (2 of 4 stars). 4 submissions from 4 submitters: Pathogenic (3); Likely pathogenic (1). Last evaluated 2025-02-20.

Conditions:
Hereditary cancer-predisposing syndrome. Also called: Neoplastic Syndromes, Hereditary; Hereditary Cancer Syndrome; Tumor predisposition; Hereditary neoplastic syndrome. Identifiers: Orphanet 140162, MedGen C0027672, MeSH D009386, MONDO:0015356.
Familial adenomatous polyposis 1 (FAP1). Also called: FAMILIAL ADENOMATOUS POLYPOSIS 1, ATTENUATED; POLYPOSIS, ADENOMATOUS INTESTINAL. Identifiers: MedGen C2713442, MONDO:0021056, OMIM 175100. Disease mechanism: loss of function.
Classic or attenuated familial adenomatous polyposis. Identifiers: MedGen CN372698, MONDO:0021057.

Submissions (4):

GeneDx
Classification: Pathogenic. Last evaluated: 2025-02-20. Review status: criteria provided, single submitter. Criteria: GeneDx Variant Classification Process June 2021. Collection method: clinical testing. Allele origin: germline. Affected: yes.
Comment: Frameshift variant predicted to result in protein truncation or nonsense mediated decay in a gene for which loss of function is a known mechanism of disease; Not observed at significant frequency in large population cohorts (gnomAD); Has not been previously published as pathogenic or benign to our knowledge

Ambry Genetics
Classification: Likely pathogenic for Hereditary cancer-predisposing syndrome. Last evaluated: 2024-08-14. Review status: criteria provided, single submitter. Criteria: Ambry Variant Classification Scheme 2023. Collection method: clinical testing. Allele origin: germline.
Comment: The c.7393_7394delCT variant, located in coding exon 15 of the APC gene, results from a deletion of two nucleotides at nucleotide positions 7393 to 7394, causing a translational frameshift with a predicted alternate stop codon (p.L2465Ffs*5). This alteration occurs at the 3' terminus of theAPC gene, is not expected to trigger nonsense-mediated mRNA decay, and only impacts the last 13.4% of the protein. However, premature stop codons are typically deleterious in nature and the impacted region is critical for protein function (Ambry internal data). This variant is considered to be rare based on population cohorts in the Genome Aggregation Database (gnomAD). Based on the majority of available evidence to date, this variant is likely to be pathogenic.

Labcorp Genetics (formerly Invitae), Labcorp
Classification: Pathogenic for Familial adenomatous polyposis 1. Last evaluated: 2022-07-29. Review status: criteria provided, single submitter. Criteria: Invitae Variant Classification Sherloc (09022015). Collection method: clinical testing. Allele origin: germline.
Comment: This sequence change creates a premature translational stop signal (p.Leu2465Phefs*5) in the APC gene. While this is not anticipated to result in nonsense mediated decay, it is expected to disrupt the last 379 amino acid(s) of the APC protein. This variant is not present in population databases (gnomAD no frequency). This variant has not been reported in the literature in individuals affected with APC-related conditions. ClinVar contains an entry for this variant (Variation ID: 545857). This variant is expected to disrupt the EB1 and HDLG binding sites, which mediate interactions with the cytoskeleton (PMID: 15311282, 17293347). While functional studies have not been performed to directly test the effect on APC protein function, this suggests that disruption of the C-terminal portion of the protein is functionally important. A different truncation (p.Tyr2645Lysfs*14) that lies downstream of this variant has been determined to be pathogenic (PMID: 9824584, 1316610, 27081525, 8381579, 22135120, Invitae). This suggests that deletion of this region of the APC protein is causative of disease. For these reasons, this variant has been classified as Pathogenic.

Department of Pathology and Laboratory Medicine, Sinai Health System
Classification: Pathogenic for classic or attenuated familial adenomatous polyposis. Last evaluated: 2021-03-30. Review status: criteria provided, single submitter. Criteria: ACMG Guidelines, 2015. Collection method: clinical testing. Allele origin: germline. Affected: no.

Literature cited by the submitters: PubMed 15311282 (cited by Labcorp Genetics (formerly Invitae), Labcorp); PubMed 17293347 (cited by Labcorp Genetics (formerly Invitae), Labcorp); PubMed 9824584 (cited by Labcorp Genetics (formerly Invitae), Labcorp); PubMed 1316610 (cited by Labcorp Genetics (formerly Invitae), Labcorp); PubMed 27081525 (cited by Labcorp Genetics (formerly Invitae), Labcorp); PubMed 8381579 (cited by Labcorp Genetics (formerly Invitae), Labcorp); PubMed 22135120 (cited by Labcorp Genetics (formerly Invitae), Labcorp).